The following is an entry in ClinVar:

NM_000059.4(BRCA2):c.5254C>T (p.His1752Tyr)

Gene: BRCA2 (BRCA2 DNA repair associated; plus strand). Cytogenetic location: 13q13.1.
Variant type: single nucleotide variant.
Coding change: c.5254C>T on transcript NM_000059.4 (MANE Select); coding-DNA position 5254, C replaced by T.
Protein change: p.His1752Tyr; replaces histidine 1752 with tyrosine.
Molecular consequence: missense variant.
Genome position (GRCh38, 1-based): chr13:32,339,609, C>T. VCF-style: chr13-32339609-C-T. GRCh37 (hg19) VCF-style: chr13-32913746-C-T.
Other names: short protein forms H1752Y.
Identifiers: ClinVar variation 51830 (VCV000051830.14), dbSNP rs80358749, ClinGen allele CA021863.

ClinVar aggregate classification (germline): Conflicting classifications of pathogenicity. Review status: criteria provided, conflicting classifications (1 of 4 stars). 5 submissions from 5 submitters: Uncertain significance (2); Likely benign (2). 1 of the submissions does not count toward it. Last evaluated 2024-02-12.

Conditions:
Hereditary breast ovarian cancer syndrome. Also called: Hereditary breast and ovarian cancer syndrome; Hereditary breast and ovarian cancer; Hereditary breast and ovarian cancer syndrome (HBOC); Breast and ovarian cancer; Hereditary breast and/or ovarian cancer syndrome; BRCA1- and BRCA2-Associated Hereditary Breast and Ovarian Cancer. Identifiers: Orphanet 145, MedGen C0677776, MeSH D061325, MONDO:0003582. Disease mechanism: loss of function.
Hereditary cancer-predisposing syndrome. Also called: Neoplastic Syndromes, Hereditary; Tumor predisposition; Hereditary neoplastic syndrome; Hereditary Cancer Syndrome. Identifiers: Orphanet 140162, MedGen C0027672, MeSH D009386, MONDO:0015356.
Breast-ovarian cancer, familial, susceptibility to, 2 (BROVCA2). Also called: BRCA2 Hereditary Breast and Ovarian Cancer. Identifiers: Orphanet 145, MedGen C2675520, MONDO:0012933, OMIM 612555. Disease mechanism: loss of function.

Submissions (5):

Labcorp Genetics (formerly Invitae), Labcorp
Classification: Uncertain significance for Hereditary breast ovarian cancer syndrome. Last evaluated: 2024-02-12. Review status: criteria provided, single submitter. Criteria: Invitae Variant Classification Sherloc (09022015). Collection method: clinical testing. Allele origin: germline.
Comment: This sequence change replaces histidine, which is basic and polar, with tyrosine, which is neutral and polar, at codon 1752 of the BRCA2 protein (p.His1752Tyr). This variant is not present in population databases (gnomAD no frequency). This variant has not been reported in the literature in individuals affected with BRCA2-related conditions. ClinVar contains an entry for this variant (Variation ID: 51830). Advanced modeling of protein sequence and biophysical properties (such as structural, functional, and spatial information, amino acid conservation, physicochemical variation, residue mobility, and thermodynamic stability) performed at Invitae indicates that this missense variant is not expected to disrupt BRCA2 protein function with a negative predictive value of 95%. In summary, the available evidence is currently insufficient to determine the role of this variant in disease. Therefore, it has been classified as a Variant of Uncertain Significance.

Ambry Genetics
Classification: Likely benign for Hereditary cancer-predisposing syndrome. Last evaluated: 2023-11-29. Review status: criteria provided, single submitter. Criteria: Ambry Variant Classification Scheme 2023. Collection method: clinical testing. Allele origin: germline.

University of Washington Department of Laboratory Medicine, University of Washington
Classification: Likely benign for Hereditary cancer-predisposing syndrome. Last evaluated: 2023-03-23. Review status: criteria provided, single submitter. Criteria: Dines et al. (Genet Med. 2020). Collection method: curation. Allele origin: germline.
Comment: Missense variant in a coldspot region where missense variants are very unlikely to be pathogenic (PMID:31911673).

BRCA2 exon 11 coldspot. Reclassification based on statistical prior probability.

Quest Diagnostics Nichols Institute San Juan Capistrano
Classification: Uncertain significance. Last evaluated: 2023-01-18. Review status: criteria provided, single submitter. Criteria: Quest Diagnostics criteria. Collection method: clinical testing. Allele origin: unknown.
Comment: The variant has not been reported in the published literature. It also has not been reported in large, multi-ethnic general populations. Analysis of this variant using bioinformatics tools for the prediction of the effect of amino acid changes on protein structure and function yielded predictions that this variant is benign. Based on the available information, we are unable to determine the clinical significance of this variant.

Breast Cancer Information Core (BIC) (BRCA2)
Classification: Uncertain significance for Breast-ovarian cancer, familial 2. Last evaluated: 2001-10-29. Review status: no assertion criteria provided. Collection method: clinical testing. Allele origin: germline. Affected: yes. Observed: 1 variant allele. Not counted in ClinVar's aggregate classification.